The following is an entry in ClinVar:

NM_198576.4(AGRN):c.4745-17C>T

Gene: AGRN (agrin; plus strand). Cytogenetic location: 1p36.33.
Variant type: single nucleotide variant.
Coding change: c.4745-17C>T on transcript NM_198576.4 (MANE Select); 17 bases into the intron before coding-DNA position 4745, C replaced by T.
Molecular consequence: intron variant.
Genome position (GRCh38, 1-based): chr1:1,049,886, C>T. VCF-style: chr1-1049886-C-T. GRCh37 (hg19) VCF-style: chr1-985266-C-T.
Other names: c.4745-17C>T (NM_001305275.2); c.4430-17C>T (NM_001364727.2).
Identifiers: ClinVar variation 263188 (VCV000263188.14), dbSNP rs2275813, ClinGen allele CA509626.
Genomic context (GRCh38, chr1:1,049,886, plus strand): 5'-GGACCCCGGGGCCTGTGGGCGGTACCCAACCGACGCCTCCTGGGACCTCGGTCCCGGTCC[C>T]GTCTTCCTCCATCCAGGACCAACCTGTGCCGATGAGAAGAGCCCCTGCCAGCCCAACCCC-3'

ClinVar aggregate classification (germline): Benign. Review status: criteria provided, multiple submitters, no conflicts (2 of 4 stars). 6 submissions from 6 submitters: Benign (6). Last evaluated 2026-02-04.

Conditions:
Congenital myasthenic syndrome 8. Also called: Myasthenic syndrome, congenital, 8, with pre- and postsynaptic defects; MYASTHENIC SYNDROME, CONGENITAL, DUE TO AGRIN DEFICIENCY. Identifiers: Orphanet 590, MedGen C3808739, MONDO:0014052, OMIM 615120.

Allele frequency attached by ClinVar (database versions not stated): ESP Exome Variant Server 0.40222; gnomAD 0.43854 and 0.45060; TOPMed 0.44843; 1000 Genomes Project 30x 0.48595; 1000 Genomes Project 0.49521; ExAC 0.54365; gnomAD exomes 0.55034 and 0.55748.
gnomAD v4.1: 870,630 of 1,611,140 alleles (54%); highest among the groups gnomAD compares: East Asian, 82%; 244,064 homozygotes.

Submissions (6):

Labcorp Genetics (formerly Invitae), Labcorp
Classification: Benign for Congenital myasthenic syndrome 8. Last evaluated: 2026-02-04. Review status: criteria provided, single submitter. Criteria: Invitae Variant Classification Sherloc (09022015). Collection method: clinical testing. Allele origin: germline.

Blueprint Genetics
Classification: Benign. Last evaluated: 2024-11-26. Review status: criteria provided, single submitter. Criteria: ACMG Guidelines, 2015. Collection method: clinical testing. Allele origin: germline.

Genome-Nilou Lab
Classification: Benign for Congenital myasthenic syndrome 8. Last evaluated: 2021-07-14. Review status: criteria provided, single submitter. Criteria: ACMG Guidelines, 2015. Collection method: clinical testing. Allele origin: germline. Affected: no.

GeneDx
Classification: Benign. Last evaluated: 2016-01-19. Review status: criteria provided, single submitter. Criteria: GeneDx Variant Classification (06012015). Collection method: clinical testing. Allele origin: germline. Affected: yes.
Comment: This variant is considered likely benign or benign based on one or more of the following criteria: it is a conservative change, it occurs at a poorly conserved position in the protein, it is predicted to be benign by multiple in silico algorithms, and/or has population frequency not consistent with disease.

Breakthrough Genomics
Classification: Benign. Review status: criteria provided, single submitter. Criteria: ACMG Guidelines, 2015. Collection method: not provided. Allele origin: germline. Inheritance: Autosomal recessive inheritance. Affected: yes.

PreventionGenetics, part of Exact Sciences
Classification: Benign. Review status: criteria provided, single submitter. Criteria: ACMG Guidelines, 2015. Collection method: clinical testing. Allele origin: germline.